The following is an entry in ClinVar:

NM_000038.6(APC):c.4760C>T (p.Ser1587Leu)

Gene: APC (APC regulator of Wnt signaling pathway; plus strand). Cytogenetic location: 5q22.2.
Variant type: single nucleotide variant.
Coding change: c.4760C>T on transcript NM_000038.6 (MANE Select); coding-DNA position 4760, C replaced by T.
Protein change: p.Ser1587Leu; replaces serine 1587 with leucine.
Molecular consequence: missense variant. On other transcripts: non-coding transcript variant (2).
Genome position (GRCh38, 1-based): chr5:112,840,354, C>T. VCF-style: chr5-112840354-C-T. GRCh37 (hg19) VCF-style: chr5-112176051-C-T.
Other names: c.4760C>T, p.Ser1587Leu (NM_001127510.3, NM_001354895.2, NM_001407450.1); c.4706C>T, p.Ser1569Leu (NM_001127511.3); c.4814C>T, p.Ser1605Leu (NM_001354896.2, NM_001407447.1, NM_001407448.1 and 1 more transcripts); c.4790C>T, p.Ser1597Leu (NM_001354897.2); c.4685C>T, p.Ser1562Leu (NM_001354898.2); c.4676C>T, p.Ser1559Leu (NM_001354899.2); c.4637C>T, p.Ser1546Leu (NM_001354900.2); c.4583C>T, p.Ser1528Leu (NM_001354901.2, NM_001407453.1); and 11 more; short protein forms S1304L, S1458L, S1461L, S1569L, S1580L, S1486L, S1546L, S1559L.
Identifiers: ClinVar variation 4121492 (VCV004121492.1).

ClinVar aggregate classification (germline): Uncertain significance (1 of 4 stars; one submission).

Conditions:
Hereditary cancer-predisposing syndrome. Also called: Hereditary neoplastic syndrome; Neoplastic Syndromes, Hereditary; Tumor predisposition; Hereditary Cancer Syndrome. Identifiers: Orphanet 140162, MedGen C0027672, MeSH D009386, MONDO:0015356.

Submission:

Ambry Genetics
Classification: Uncertain significance for Hereditary cancer-predisposing syndrome. Last evaluated: 2025-08-14. Review status: criteria provided, single submitter. Criteria: Ambry Variant Classification Scheme 2023. Collection method: clinical testing. Allele origin: germline.
Comment: The p.S1587L variant (also known as c.4760C>T), located in coding exon 15 of the APC gene, results from a C to T substitution at nucleotide position 4760. The serine at codon 1587 is replaced by leucine, an amino acid with dissimilar properties. This amino acid position is conserved. In addition, in silico predictors for this gene do not accurately predict pathogenicity. Based on the available evidence, the clinical significance of this variant remains unclear.